The following is an entry in ClinVar:

NM_001605.3(AARS1):c.1790G>A (p.Arg597Gln)

Gene: AARS1 (alanyl-tRNA synthetase 1; minus strand). Cytogenetic location: 16q22.1.
Variant type: single nucleotide variant.
Coding change: c.1790G>A on transcript NM_001605.3 (MANE Select); coding-DNA position 1790, G replaced by A.
Protein change: p.Arg597Gln; replaces arginine 597 with glutamine.
Molecular consequence: missense variant.
Genome position (GRCh38, 1-based): chr16:70,259,182, C>T on the plus strand (G>A on the coding strand, the complement: AARS1 is on the minus strand). VCF-style: chr16-70259182-C-T. GRCh37 (hg19) VCF-style: chr16-70293085-C-T.
Other names: c.1790G>A (NM_001605.2); short protein forms R597Q.
Identifiers: ClinVar variation 1682197 (VCV001682197.7), dbSNP rs777597230, ClinGen allele CA8140664.

ClinVar aggregate classification (germline): Uncertain significance. Review status: criteria provided, multiple submitters, no conflicts (2 of 4 stars). 2 submissions from 2 submitters: Uncertain significance (2). Last evaluated 2025-01-30.

Conditions:
Inborn genetic diseases. Identifiers: MedGen C0950123, MeSH D030342.
Charcot-Marie-Tooth disease type 2. Also called: Charcot-Marie-Tooth type 2. Identifiers: Orphanet 64746, MedGen C0270914, MONDO:0018993.

Allele frequency attached by ClinVar (database versions not stated): gnomAD 0.00001; TOPMed below 0.00001; gnomAD exomes 0.00002; ExAC 0.00003; 1000 Genomes Project 30x 0.00031.
gnomAD v4.1: 17 of 1,613,904 alleles (0.0011%); highest among the groups gnomAD compares: South Asian, 0.0066%; no homozygotes.

Submissions (2):

Labcorp Genetics (formerly Invitae), Labcorp
Classification: Uncertain significance for Charcot-Marie-Tooth disease type 2. Last evaluated: 2025-01-30. Review status: criteria provided, single submitter. Criteria: Invitae Variant Classification Sherloc (09022015). Collection method: clinical testing. Allele origin: germline.
Comment: This sequence change replaces arginine, which is basic and polar, with glutamine, which is neutral and polar, at codon 597 of the AARS protein (p.Arg597Gln). This variant is present in population databases (rs777597230, gnomAD 0.006%). This variant has not been reported in the literature in individuals affected with AARS-related conditions. ClinVar contains an entry for this variant (Variation ID: 1682197). Invitae Evidence Modeling of protein sequence and biophysical properties (such as structural, functional, and spatial information, amino acid conservation, physicochemical variation, residue mobility, and thermodynamic stability) indicates that this missense variant is not expected to disrupt AARS protein function with a negative predictive value of 80%. In summary, the available evidence is currently insufficient to determine the role of this variant in disease. Therefore, it has been classified as a Variant of Uncertain Significance.

Ambry Genetics
Classification: Uncertain significance for Inborn genetic diseases. Last evaluated: 2025-01-24. Review status: criteria provided, single submitter. Criteria: Ambry Variant Classification Scheme 2023. Collection method: clinical testing. Allele origin: germline.